The following is an entry in ClinVar:

NM_001379500.1(COL18A1):c.107-12178G>A

Gene: COL18A1 (collagen type XVIII alpha 1 chain; plus strand). Cytogenetic location: 21q22.3.
Variant type: single nucleotide variant.
Coding change: c.107-12178G>A on transcript NM_001379500.1 (MANE Select); 12178 bases into the intron before coding-DNA position 107, G replaced by A.
Molecular consequence: intron variant. On other transcripts: synonymous variant (2).
Genome position (GRCh38, 1-based): chr21:45,456,064, G>A. VCF-style: chr21-45456064-G-A. GRCh37 (hg19) VCF-style: chr21-46875978-G-A.
Other names: c.534G>A (NM_030582.3); c.534G>A, p.Pro178= (NM_030582.4, NM_130444.3).
Identifiers: ClinVar variation 1655495 (VCV001655495.11), dbSNP rs771496335, ClinGen allele CA10065503.

ClinVar aggregate classification (germline): Likely benign. Review status: criteria provided, multiple submitters, no conflicts (2 of 4 stars). 3 submissions from 3 submitters: Likely benign (2). 1 of the submissions does not count toward it. Last evaluated 2025-12-05.

Conditions:
COL18A1-related disorder. Also called: COL18A1-related disorders; COL18A1-related condition.

gnomAD v4.1: 123 of 1,605,128 alleles (0.0077%); highest among the groups gnomAD compares: South Asian, 0.018%; no homozygotes.

Submissions (3):

Labcorp Genetics (formerly Invitae), Labcorp
Classification: Likely benign. Last evaluated: 2025-12-05. Review status: criteria provided, single submitter. Criteria: Invitae Variant Classification Sherloc (09022015). Collection method: clinical testing. Allele origin: germline.

Blueprint Genetics
Classification: Likely benign. Last evaluated: 2023-03-22. Review status: criteria provided, single submitter. Criteria: ACMG Guidelines, 2015. Collection method: clinical testing. Allele origin: germline.

PreventionGenetics, part of Exact Sciences
Classification: Likely benign for COL18A1-related condition. Last evaluated: 2019-09-23. Review status: no assertion criteria provided. Collection method: clinical testing. Allele origin: germline. Not counted in ClinVar's aggregate classification.
Comment: This variant is classified as likely benign based on ACMG/AMP sequence variant interpretation guidelines (Richards et al. 2015 PMID: 25741868, with internal and published modifications).